The following is an entry in ClinVar:

NM_174936.4(PCSK9):c.799+19C>T

Gene: PCSK9 (proprotein convertase subtilisin/kexin type 9; plus strand). Cytogenetic location: 1p32.3.
Variant type: single nucleotide variant.
Coding change: c.799+19C>T on transcript NM_174936.4 (MANE Select); 19 bases into the intron after coding-DNA position 799, C replaced by T.
Molecular consequence: intron variant.
Genome position (GRCh38, 1-based): chr1:55,052,810, C>T. VCF-style: chr1-55052810-C-T. GRCh37 (hg19) VCF-style: chr1-55518483-C-T.
Other names: c.424+19C>T (NM_001407246.1); c.922+19C>T (NM_001407240.1); c.802+19C>T (NM_001407242.1); c.799+19C>T (NM_001407241.1, NM_001407244.1, NM_001407247.1); c.742+19C>T (NM_001407243.1); c.607+19C>T (NM_001407245.1).
Identifiers: ClinVar variation 4751317 (VCV004751317.3).

ClinVar aggregate classification (germline): Likely benign. Review status: criteria provided, multiple submitters, no conflicts (2 of 4 stars). 3 submissions from 3 submitters: Likely benign (3). Last evaluated 2026-06-15.

Conditions:
Hypercholesterolemia, autosomal dominant, 3 (FHCL3). Also called: Familial Hypercholesterolemia, Autosomal Dominant, 3; PCSK9-Related Familial Hypercholesterolemia, Autosomal Dominant; Familial hypercholesterolemia 3. Identifiers: MedGen C1863551, MONDO:0011369, OMIM 603776.

gnomAD v4.1: 44 of 1,612,788 alleles (0.0027%); highest among the groups gnomAD compares: African/African-American, 0.0093%; no homozygotes.

Submissions (3):

Women's Health and Genetics/Laboratory Corporation of America, LabCorp
Classification: Likely benign. Last evaluated: 2026-06-15. Review status: criteria provided, single submitter. Criteria: LabCorp Variant Classification Summary - May 2015. Collection method: clinical testing. Allele origin: germline.
Comment: Variant summary: PCSK9 c.799+19C>T alters a nucleotide located at a position not widely known to affect splicing. Consensus agreement among computation tools predict no significant impact on normal splicing. However, these predictions have yet to be confirmed by functional studies. The variant allele was found at a frequency of 3.2e-05 in 246348 control chromosomes. The available data on variant occurrences in the general population are insufficient to allow any conclusion about variant significance. To our knowledge, no occurrence of c.799+19C>T in individuals affected with PCSK9-related conditions and no experimental evidence demonstrating its impact on protein function have been reported. ClinVar contains an entry for this variant (Variation ID: 4751317). Based on the evidence outlined above, the variant was classified as likely benign.

Labcorp Genetics (formerly Invitae), Labcorp
Classification: Likely benign for Hypercholesterolemia, autosomal dominant, 3. Last evaluated: 2025-11-03. Review status: criteria provided, single submitter. Criteria: Invitae Variant Classification Sherloc (09022015). Collection method: clinical testing. Allele origin: germline.

Blueprint Genetics
Classification: Likely benign. Last evaluated: 2022-04-08. Review status: criteria provided, single submitter. Criteria: ACMG Guidelines, 2015. Collection method: clinical testing. Allele origin: germline.